The following is an entry in ClinVar:

NM_030665.4(RAI1):c.610C>T (p.Pro204Ser)

Gene: RAI1 (retinoic acid induced 1; plus strand). Cytogenetic location: 17p11.2.
Variant type: single nucleotide variant.
Coding change: c.610C>T on transcript NM_030665.4 (MANE Select); coding-DNA position 610, C replaced by T.
Protein change: p.Pro204Ser; replaces proline 204 with serine.
Molecular consequence: missense variant.
Genome position (GRCh38, 1-based): chr17:17,793,558, C>T. VCF-style: chr17-17793558-C-T. GRCh37 (hg19) VCF-style: chr17-17696872-C-T.
Other names: short protein forms P204S.
Identifiers: ClinVar variation 130083 (VCV000130083.51), dbSNP rs138332224, ClinGen allele CA154868.

ClinVar aggregate classification (germline): Benign/Likely benign. Review status: criteria provided, multiple submitters, no conflicts (2 of 4 stars). 10 submissions from 10 submitters: Benign (3); Likely benign (3). 4 of the submissions do not count toward it. Last evaluated 2026-07-01.

Conditions:
RAI1-related disorder. Also called: RAI1-related condition.
Inborn genetic diseases. Identifiers: MedGen C0950123, MeSH D030342.

Allele frequency attached by ClinVar (database versions not stated): TOPMed 0.00076; gnomAD exomes 0.00168 and 0.00261; ExAC 0.00223; gnomAD 0.00242 and 0.00257; 1000 Genomes Project 30x 0.00031; 1000 Genomes Project 0.00040; ESP Exome Variant Server 0.00069.
gnomAD v4.1: 2,794 of 1,613,912 alleles (0.17%); highest among the groups gnomAD compares: Non-Finnish European, 0.13%; 12 homozygotes.

Submissions (10):

CeGaT Center for Human Genetics Tuebingen
Classification: Likely benign. Last evaluated: 2026-07-01. Review status: criteria provided, single submitter. Criteria: CeGaT Center For Human Genetics Tuebingen Variant Classification Criteria Version 2. Collection method: clinical testing. Allele origin: germline. Affected: yes. Observed: 12 variant alleles.
Comment: RAI1: BP4, BS1

Labcorp Genetics (formerly Invitae), Labcorp
Classification: Benign. Last evaluated: 2026-02-02. Review status: criteria provided, single submitter. Criteria: Invitae Variant Classification Sherloc (09022015). Collection method: clinical testing. Allele origin: germline.

GeneDx
Classification: Likely benign. Last evaluated: 2020-11-20. Review status: criteria provided, single submitter. Criteria: GeneDx Variant Classification Process June 2021. Collection method: clinical testing. Allele origin: germline. Affected: yes.

Genetic Services Laboratory, University of Chicago
Classification: Benign. Last evaluated: 2018-07-10. Review status: criteria provided, single submitter. Criteria: ACMG Guidelines, 2015. Collection method: clinical testing. Allele origin: germline. Affected: no.

Ambry Genetics
Classification: Benign for Inborn genetic diseases. Last evaluated: 2016-11-17. Review status: criteria provided, single submitter. Criteria: Ambry Variant Classification Scheme 2023. Collection method: clinical testing. Allele origin: germline.

Center for Pediatric Genomic Medicine, Children's Mercy Hospital and Clinics
Classification: Likely benign. Last evaluated: 2015-11-24. Review status: criteria provided, single submitter. Criteria: ACMG Guidelines, 2015. Collection method: clinical testing. Allele origin: germline.
ClinVar note: Converted during submission from Likely Benign to Likely benign.

PreventionGenetics, part of Exact Sciences
Classification: Benign for RAI1-related condition. Last evaluated: 2019-04-22. Review status: no assertion criteria provided. Collection method: clinical testing. Allele origin: germline. Not counted in ClinVar's aggregate classification.
Comment: This variant is classified as benign based on ACMG/AMP sequence variant interpretation guidelines (Richards et al. 2015 PMID: 25741868, with internal and published modifications).

Clinical Genetics DNA and cytogenetics Diagnostics Lab, Erasmus MC, Erasmus Medical Center
Classification: Likely benign. Review status: no assertion criteria provided. Collection method: clinical testing. Allele origin: germline. Affected: yes. Study: VKGL Data-share Consensus. Not counted in ClinVar's aggregate classification.

Diagnostic Laboratory, Department of Genetics, University Medical Center Groningen
Classification: Likely benign. Review status: no assertion criteria provided. Collection method: clinical testing. Allele origin: germline. Affected: yes. Study: VKGL Data-share Consensus. Not counted in ClinVar's aggregate classification.

Laboratory of Diagnostic Genome Analysis, Leiden University Medical Center (LUMC)
Classification: Likely benign. Review status: no assertion criteria provided. Collection method: clinical testing. Allele origin: germline. Affected: yes. Study: VKGL Data-share Consensus. Not counted in ClinVar's aggregate classification.